The following is an entry in ClinVar:

NM_001077653.2(TBX20):c.124C>T (p.Leu42=)

Gene: TBX20 (T-box transcription factor 20; minus strand). Cytogenetic location: 7p14.2.
Variant type: single nucleotide variant.
Coding change: c.124C>T on transcript NM_001077653.2 (MANE Select); coding-DNA position 124, C replaced by T.
Protein change: p.Leu42=; no amino-acid change (leucine 42 retained).
Molecular consequence: synonymous variant.
Genome position (GRCh38, 1-based): chr7:35,253,497, G>A on the plus strand (C>T on the coding strand, the complement: TBX20 is on the minus strand). VCF-style: chr7-35253497-G-A. GRCh37 (hg19) VCF-style: chr7-35293108-G-A.
Other names: c.124C>T, p.Leu42= (NM_001166220.1).
Identifiers: ClinVar variation 1760351 (VCV001760351.7), dbSNP rs768674804, ClinGen allele CA4217595.

ClinVar aggregate classification (germline): Likely benign. Review status: criteria provided, multiple submitters, no conflicts (2 of 4 stars). 3 submissions from 3 submitters: Likely benign (2). 1 of the submissions does not count toward it. Last evaluated 2025-12-24.

Conditions:
TBX20-related disorder. Also called: TBX20-related condition.
Cardiovascular phenotype. Identifiers: MedGen CN230736.

Allele frequency attached by ClinVar (database versions not stated): TOPMed 0.00004; gnomAD exomes below 0.00001; gnomAD 0.00001; ExAC 0.00001.
gnomAD v4.1: 5 of 1,610,526 alleles (0.00031%); highest among the groups gnomAD compares: African/African-American, 0.0067%; no homozygotes.

Submissions (3):

Labcorp Genetics (formerly Invitae), Labcorp
Classification: Likely benign. Last evaluated: 2025-12-24. Review status: criteria provided, single submitter. Criteria: Invitae Variant Classification Sherloc (09022015). Collection method: clinical testing. Allele origin: germline.

Ambry Genetics
Classification: Likely benign for Cardiovascular phenotype. Last evaluated: 2020-01-03. Review status: criteria provided, single submitter. Criteria: Ambry Variant Classification Scheme 2023. Collection method: clinical testing. Allele origin: germline.

PreventionGenetics, part of Exact Sciences
Classification: Likely benign for TBX20-related condition. Last evaluated: 2023-01-13. Review status: no assertion criteria provided. Collection method: clinical testing. Allele origin: germline. Not counted in ClinVar's aggregate classification.
Comment: This variant is classified as likely benign based on ACMG/AMP sequence variant interpretation guidelines (Richards et al. 2015 PMID: 25741868, with internal and published modifications).